The following is an entry in ClinVar:

NM_014727.3(KMT2B):c.1988A>G (p.Glu663Gly)

Gene: KMT2B (lysine methyltransferase 2B; plus strand). Cytogenetic location: 19q13.12.
Variant type: single nucleotide variant.
Coding change: c.1988A>G on transcript NM_014727.3 (MANE Select); coding-DNA position 1988, A replaced by G.
Protein change: p.Glu663Gly; replaces glutamic acid 663 with glycine.
Molecular consequence: missense variant.
Genome position (GRCh38, 1-based): chr19:35,721,335, A>G. VCF-style: chr19-35721335-A-G. GRCh37 (hg19) VCF-style: chr19-36212237-A-G.
Other names: short protein forms E663G.
Identifiers: ClinVar variation 3367314 (VCV003367314.1).

ClinVar aggregate classification (germline): Uncertain significance (1 of 4 stars; one submission).

Submission:

GeneDx
Classification: Uncertain significance. Last evaluated: 2023-12-26. Review status: criteria provided, single submitter. Criteria: GeneDx Variant Classification Process June 2021. Collection method: clinical testing. Allele origin: germline. Affected: yes.
Comment: Not observed at significant frequency in large population cohorts (gnomAD); In silico analysis supports that this missense variant has a deleterious effect on protein structure/function; Has not been previously published as pathogenic or benign to our knowledge